The following is an entry in ClinVar:

ClinVar aggregate classification (germline): Benign/Likely benign. Review status: criteria provided, multiple submitters, no conflicts (2 of 4 stars). 4 submissions from 4 submitters: Benign (1); Likely benign (3). Last evaluated 2026-01-05.

Conditions:
Dilated cardiomyopathy 1G (CMD1G). Identifiers: Orphanet 154, MedGen C1858763, MONDO:0011400, OMIM 604145.
Autosomal recessive limb-girdle muscular dystrophy type 2J (LGMDR10). Also called: Limb-girdle muscular dystrophy, type 2J; MUSCULAR DYSTROPHY, LIMB-GIRDLE, AUTOSOMAL RECESSIVE 10. Identifiers: Orphanet 140922, MedGen C1837342, MONDO:0012127, OMIM 608807.
Cardiovascular phenotype. Identifiers: MedGen CN230736.

Allele frequency attached by ClinVar (database versions not stated): TOPMed 0.00001; gnomAD exomes 0.00002 and 0.00009; gnomAD 0.00003; ExAC 0.00008; 1000 Genomes Project 30x 0.00016.
gnomAD v4.1: 32 of 1,610,304 alleles (0.002%); highest among the groups gnomAD compares: East Asian, 0.049%; no homozygotes.

Submissions (4):

Labcorp Genetics (formerly Invitae), Labcorp
Classification: Likely benign for Dilated cardiomyopathy 1G; Autosomal recessive limb-girdle muscular dystrophy type 2J. Last evaluated: 2026-01-05. Review status: criteria provided, single submitter. Criteria: Invitae Variant Classification Sherloc (09022015). Collection method: clinical testing. Allele origin: germline.

Ambry Genetics
Classification: Benign for Cardiovascular phenotype. Last evaluated: 2021-12-23. Review status: criteria provided, single submitter. Criteria: Ambry Variant Classification Scheme 2023. Collection method: clinical testing. Allele origin: germline.

GeneDx
Classification: Likely benign. Last evaluated: 2020-02-05. Review status: criteria provided, single submitter. Criteria: GeneDx Variant Classification Process June 2021. Collection method: clinical testing. Allele origin: germline. Affected: yes.

Laboratory for Molecular Medicine, Mass General Brigham Personalized Medicine
Classification: Likely benign. Last evaluated: 2014-07-14. Review status: criteria provided, single submitter. Criteria: LMM Criteria. Collection method: clinical testing. Allele origin: germline. Observed: 1 variant allele.
Comment: Ile17757Ile in exon 253 of TTN: This variant is not expected to have clinical si gnificance because it does not alter an amino acid residue and is not located wi thin the splice consensus sequence.

NM_001267550.2(TTN):c.60975C>T (p.Ile20325=)

Genes: TTN (titin; minus strand), TTN-AS1 (TTN antisense RNA 1; plus strand). Cytogenetic location: 2q31.2.
Variant type: single nucleotide variant.
Coding change: c.60975C>T on transcript NM_001267550.2 (MANE Select); coding-DNA position 60975, C replaced by T.
Protein change: p.Ile20325=; no amino-acid change (isoleucine 20325 retained).
Molecular consequence: synonymous variant.
Genome position (GRCh38, 1-based): chr2:178,590,750, G>A on the plus strand (C>T on the coding strand, the complement: TTN is on the minus strand). VCF-style: chr2-178590750-G-A. GRCh37 (hg19) VCF-style: chr2-179455477-G-A.
Other names: c.53271C>T, p.Ile17757= (NM_133378.4); c.56052C>T, p.Ile18684= (NM_001256850.1); c.33780C>T, p.Ile11260= (NM_003319.4); c.34155C>T, p.Ile11385= (NM_133432.3); c.34356C>T, p.Ile11452= (NM_133437.4).
Identifiers: ClinVar variation 179885 (VCV000179885.21), dbSNP rs727505195, ClinGen allele CA185344.